The following is an entry in ClinVar:

ClinVar aggregate classification (germline): Uncertain significance. Review status: criteria provided, multiple submitters, no conflicts (2 of 4 stars). 3 submissions from 3 submitters: Uncertain significance (3). Last evaluated 2026-07-06.

Conditions:
GATA binding protein 1 related thrombocytopenia with dyserythropoiesis. Also called: GATA1-Related Cytopenia; GATA1-Related X-Linked Cytopenia. Identifiers: MedGen C1845837, MONDO:0100089.
Diamond-Blackfan anemia. Also called: Blackfan Diamond syndrome; Aregenerative anemia chronic congenital; Red cell aplasia, pure hereditary; Congenital hypoplastic anemia; Aase syndrome. Identifiers: Orphanet 124, MedGen C1260899, MeSH D029503, MONDO:0015253, HP:0004810.
GATA1-related disorder. Also called: GATA1-related condition.

Allele frequency attached by ClinVar (database versions not stated): gnomAD exomes below 0.00001.

Submissions (3):

PreventionGenetics, part of Exact Sciences
Classification: Uncertain significance for GATA1-related condition. Last evaluated: 2026-07-06. Review status: criteria provided, single submitter. Criteria: ACMG Guidelines, 2015. Collection method: clinical testing. Allele origin: germline.
Comment: The GATA1 c.685G>A variant is predicted to result in the amino acid substitution p.Gly229Ser. To our knowledge, this variant has not been reported in the literature. This variant is reported in 0.0012% of alleles in individuals of European (Non-Finnish) descent in gnomAD. An alternate substitution at this amino acid position (p.Gly229Asp) has been reported in a patient with defective procoagulant platelet formation (Ding et al. 2024. PubMed ID: 38159323). At this time, the clinical significance of this variant is uncertain due to the absence of conclusive functional and genetic evidence.

Labcorp Genetics (formerly Invitae), Labcorp
Classification: Uncertain significance for GATA binding protein 1 related thrombocytopenia with dyserythropoiesis; Diamond-Blackfan anemia. Last evaluated: 2024-08-04. Review status: criteria provided, single submitter. Criteria: Invitae Variant Classification Sherloc (09022015). Collection method: clinical testing. Allele origin: germline.
Comment: This sequence change replaces glycine, which is neutral and non-polar, with serine, which is neutral and polar, at codon 229 of the GATA1 protein (p.Gly229Ser). This variant is present in population databases (no rsID available, gnomAD 0.001%). This variant has not been reported in the literature in individuals affected with GATA1-related conditions. ClinVar contains an entry for this variant (Variation ID: 2432045). Advanced modeling of protein sequence and biophysical properties (such as structural, functional, and spatial information, amino acid conservation, physicochemical variation, residue mobility, and thermodynamic stability) has been performed at Invitae for this missense variant, however the output from this modeling did not meet the statistical confidence thresholds required to predict the impact of this variant on GATA1 protein function. In summary, the available evidence is currently insufficient to determine the role of this variant in disease. Therefore, it has been classified as a Variant of Uncertain Significance.

Revvity Omics, Revvity
Classification: Uncertain significance. Last evaluated: 2022-09-05. Review status: criteria provided, single submitter. Criteria: ACMG Guidelines, 2015. Collection method: clinical testing. Allele origin: germline.

NM_002049.4(GATA1):c.685G>A (p.Gly229Ser)

Gene: GATA1 (GATA binding protein 1; plus strand). Cytogenetic location: Xp11.23.
Variant type: single nucleotide variant.
Coding change: c.685G>A on transcript NM_002049.4 (MANE Select); coding-DNA position 685, G replaced by A.
Protein change: p.Gly229Ser; replaces glycine 229 with serine.
Molecular consequence: missense variant.
Genome position (GRCh38, 1-based): chrX:48,792,409, G>A. VCF-style: chrX-48792409-G-A. GRCh37 (hg19) VCF-style: chrX-48650816-G-A.
Other names: short protein forms G229S.
Identifiers: ClinVar variation 2432045 (VCV002432045.6), dbSNP rs1557020321, ClinGen allele CA412870852.
Genomic context (GRCh38, chrX:48,792,409, plus strand): 5'-GCAACAGCCACTCCACTGTGGCGGAGGGACAGGACAGGCCACTACCTATGCAACGCCTGC[G>A]GCCTCTATCACAAGATGAATGGGCAGAACAGGCCCCTCATCCGGCCCAAGAAGCGCCTGG-3'
Protein context (NP_002040.1, residues 219-239): RTGHYLCNAC[Gly229Ser]LYHKMNGQNR